The following is an entry in ClinVar:

ClinVar aggregate classification (germline): Conflicting classifications of pathogenicity. Review status: criteria provided, conflicting classifications (1 of 4 stars). 6 submissions from 6 submitters: Uncertain significance (1); Likely benign (5). Last evaluated 2025-12-21.

Conditions:
Juvenile polyposis syndrome (JPS). Identifiers: Orphanet 2929, MedGen C0345893, MONDO:0017380, OMIM 174900.
Hereditary cancer-predisposing syndrome. Also called: Neoplastic Syndromes, Hereditary; Hereditary Cancer Syndrome; Hereditary neoplastic syndrome; Tumor predisposition. Identifiers: Orphanet 140162, MedGen C0027672, MeSH D009386, MONDO:0015356.
Juvenile polyposis/hereditary hemorrhagic telangiectasia syndrome (JPHT). Also called: POLYPOSIS, GENERALIZED JUVENILE, WITH PULMONARY ARTERIOVENOUS MALFORMATION; TELANGIECTASIA, HEREDITARY HEMORRHAGIC, WITH JUVENILE POLYPOSIS COLI; Juvenile Polyposis Syndrome / Hereditary Hemorrhagic Telangiectasia (JPS/HHT); JP/HHT SYNDROME; JUVENILE POLYPOSIS WITH HEREDITARY HEMORRHAGIC TELANGIECTASIA. Identifiers: Orphanet 2929, MedGen C1832942, MONDO:0008278, OMIM 175050.

Allele frequency attached by ClinVar (database versions not stated): gnomAD 0.00001; TOPMed 0.00001.
gnomAD v4.1: 1 of 1,610,946 alleles (0.000062%); no homozygotes.

Submissions (6):

Labcorp Genetics (formerly Invitae), Labcorp
Classification: Likely benign for Juvenile polyposis syndrome. Last evaluated: 2025-12-21. Review status: criteria provided, single submitter. Criteria: Invitae Variant Classification Sherloc (09022015). Collection method: clinical testing. Allele origin: germline.

Myriad Genetics, Inc.
Classification: Likely benign for Juvenile polyposis/hereditary hemorrhagic telangiectasia syndrome. Last evaluated: 2025-03-19. Review status: criteria provided, single submitter. Criteria: Myriad Autosomal Dominant, Autosomal Recessive and X-Linked Classification Criteria (2023). Collection method: clinical testing. Allele origin: unknown.
Comment: This variant is considered likely benign. This variant is intronic and is not expected to impact mRNA splicing.

All of Us Research Program, National Institutes of Health
Classification: Likely benign for Juvenile polyposis/hereditary hemorrhagic telangiectasia syndrome. Last evaluated: 2023-08-15. Review status: criteria provided, single submitter. Criteria: ACMG Guidelines, 2015. Collection method: clinical testing. Allele origin: germline. Inheritance: Autosomal dominant inheritance. Observed: 2 variant alleles, 2 heterozygotes.
Comment: This study involves interpretation of variants in research participants for the purpose of population health screening. Participant phenotype was not available at the time of variant classification. Additional details can be found in publication PMID: 35346344, PMCID: PMC8962531

Color Diagnostics, LLC DBA Color Health
Classification: Likely benign for Hereditary cancer-predisposing syndrome. Last evaluated: 2023-06-28. Review status: criteria provided, single submitter. Criteria: ACMG Guidelines, 2015. Collection method: clinical testing. Allele origin: germline.

Sema4
Classification: Uncertain significance for Hereditary cancer-predisposing syndrome. Last evaluated: 2021-05-14. Review status: criteria provided, single submitter. Criteria: Sema4 Curation Guidelines. Collection method: curation. Allele origin: germline.
Comment: The SMAD4 c.668-7C>T variant has not been reported in individuals with SMAD4-related disease to our knowledge. It was not observed in the large and broad cohorts of the Genome Aggregation Database (PMID: 32461654). The variant has been reported in ClinVar (Variation ID 413441). In silico tools suggest the impact of the variant on splicing is benign, though these predictions have not been confirmed by functional studies. The evidence is insufficient to meet ACMG/AMP criteria for classifying the variant as benign or pathogenic. Thus, the clinical significance of this variant is currently uncertain.

GeneDx
Classification: Likely benign. Last evaluated: 2018-04-10. Review status: criteria provided, single submitter. Criteria: GeneDx Variant Classification (06012015). Collection method: clinical testing. Allele origin: germline. Affected: yes.
Comment: This variant is considered likely benign or benign based on one or more of the following criteria: it is a conservative change, it occurs at a poorly conserved position in the protein, it is predicted to be benign by multiple in silico algorithms, and/or has population frequency not consistent with disease.

NM_005359.6(SMAD4):c.668-7C>T

Gene: SMAD4 (SMAD family member 4; plus strand). Cytogenetic location: 18q21.2.
Variant type: single nucleotide variant.
Coding change: c.668-7C>T on transcript NM_005359.6 (MANE Select); 7 bases into the intron before coding-DNA position 668, C replaced by T.
Molecular consequence: intron variant.
Genome position (GRCh38, 1-based): chr18:51,058,118, C>T. VCF-style: chr18-51058118-C-T. GRCh37 (hg19) VCF-style: chr18-48584488-C-T.
Identifiers: ClinVar variation 413441 (VCV000413441.16), dbSNP rs1060504028, ClinGen allele CA16616077.
Genomic context (GRCh38, chr18:51,058,118, plus strand): 5'-TTTAGTATATGAAATCATAAGATGACATCTATGAATGTACCATGTTAATGTCTTCTTGTT[C>T]CTCTAGGTCAGCCTGCCAGTATACTGGGGGGCAGCCATAGTGAAGGACTGTTGCAGATAG-3'